The following is an entry in ClinVar:

NM_001372.4(DNAH9):c.12811C>T (p.Arg4271Cys)

Gene: DNAH9 (dynein axonemal heavy chain 9; plus strand). Cytogenetic location: 17p12.
Variant type: single nucleotide variant.
Coding change: c.12811C>T on transcript NM_001372.4 (MANE Select); coding-DNA position 12811, C replaced by T.
Protein change: p.Arg4271Cys; replaces arginine 4271 with cysteine.
Molecular consequence: missense variant.
Genome position (GRCh38, 1-based): chr17:11,942,453, C>T. VCF-style: chr17-11942453-C-T. GRCh37 (hg19) VCF-style: chr17-11845770-C-T.
Other names: c.1747C>T, p.Arg583Cys (NM_004662.2); short protein forms R4271C, R583C.
Identifiers: ClinVar variation 1907535 (VCV001907535.3), dbSNP rs549919855, ClinGen allele CA8398260.

ClinVar aggregate classification (germline): Uncertain significance (1 of 4 stars; one submission).

Allele frequency attached by ClinVar (database versions not stated): gnomAD exomes 0.00001; TOPMed 0.00001; gnomAD 0.00002; ExAC 0.00004; 1000 Genomes Project 30x 0.00016; 1000 Genomes Project 0.00020.

Submission:

Labcorp Genetics (formerly Invitae), Labcorp
Classification: Uncertain significance. Last evaluated: 2025-09-03. Review status: criteria provided, single submitter. Criteria: Invitae Variant Classification Sherloc (09022015). Collection method: clinical testing. Allele origin: germline.
Comment: This sequence change replaces arginine, which is basic and polar, with cysteine, which is neutral and slightly polar, at codon 4271 of the DNAH9 protein (p.Arg4271Cys). This variant is present in population databases (rs549919855, gnomAD 0.01%). This variant has not been reported in the literature in individuals affected with DNAH9-related conditions. ClinVar contains an entry for this variant (Variation ID: 1907535). Invitae Evidence Modeling of protein sequence and biophysical properties (such as structural, functional, and spatial information, amino acid conservation, physicochemical variation, residue mobility, and thermodynamic stability) indicates that this missense variant is not expected to disrupt DNAH9 protein function with a negative predictive value of 80%. In summary, the available evidence is currently insufficient to determine the role of this variant in disease. Therefore, it has been classified as a Variant of Uncertain Significance.